The following is an entry in ClinVar:

NM_001163435.3(TBCK):c.385C>A (p.His129Asn)

Gene: TBCK (TBC1 domain containing kinase; minus strand). Cytogenetic location: 4q24.
Variant type: single nucleotide variant.
Coding change: c.385C>A on transcript NM_001163435.3 (MANE Select); coding-DNA position 385, C replaced by A.
Protein change: p.His129Asn; replaces histidine 129 with asparagine.
Molecular consequence: missense variant. On other transcripts: 5 prime UTR variant (1), intron variant (1).
Genome position (GRCh38, 1-based): chr4:106,260,507, G>T on the plus strand (C>A on the coding strand, the complement: TBCK is on the minus strand). VCF-style: chr4-106260507-G-T. GRCh37 (hg19) VCF-style: chr4-107181664-G-T.
Other names: c.385C>A, p.His129Asn (NM_001163436.4, NM_001163437.3); c.-233C>A (NM_001290768.2); c.267-8500C>A (NM_033115.5); short protein forms H129N.
Identifiers: ClinVar variation 2091480 (VCV002091480.4), dbSNP rs2150094611, ClinGen allele CA357970192.

ClinVar aggregate classification (germline): Uncertain significance (1 of 4 stars; one submission).

gnomAD v4.1: 2 of 1,240,228 alleles (0.00016%); highest among the groups gnomAD compares: East Asian, 0.0028%; no homozygotes.

Submission:

Labcorp Genetics (formerly Invitae), Labcorp
Classification: Uncertain significance. Last evaluated: 2022-02-01. Review status: criteria provided, single submitter. Criteria: Invitae Variant Classification Sherloc (09022015). Collection method: clinical testing. Allele origin: germline.
Comment: In summary, the available evidence is currently insufficient to determine the role of this variant in disease. Therefore, it has been classified as a Variant of Uncertain Significance. Algorithms developed to predict the effect of missense changes on protein structure and function (SIFT, PolyPhen-2, Align-GVGD) all suggest that this variant is likely to be tolerated. This variant has not been reported in the literature in individuals affected with TBCK-related conditions. This variant is not present in population databases (gnomAD no frequency). This sequence change replaces histidine, which is basic and polar, with asparagine, which is neutral and polar, at codon 129 of the TBCK protein (p.His129Asn).